The following is an entry in ClinVar:

NM_001297.5(CNGB1):c.1478C>T (p.Pro493Leu)

Gene: CNGB1 (cyclic nucleotide gated channel subunit beta 1; minus strand). Cytogenetic location: 16q21.
Variant type: single nucleotide variant.
Coding change: c.1478C>T on transcript NM_001297.5 (MANE Select); coding-DNA position 1478, C replaced by T.
Protein change: p.Pro493Leu; replaces proline 493 with leucine.
Molecular consequence: missense variant.
Genome position (GRCh38, 1-based): chr16:57,931,773, G>A on the plus strand (C>T on the coding strand, the complement: CNGB1 is on the minus strand). VCF-style: chr16-57931773-G-A. GRCh37 (hg19) VCF-style: chr16-57965677-G-A.
Other names: c.1460C>T, p.Pro487Leu (NM_001286130.2); short protein forms P493L, P487L.
Identifiers: ClinVar variation 497938 (VCV000497938.19), dbSNP rs148555948, ClinGen allele CA8083419.

ClinVar aggregate classification (germline): Conflicting classifications of pathogenicity. Review status: criteria provided, conflicting classifications (1 of 4 stars). 5 submissions from 5 submitters: Uncertain significance (4); Likely benign (1). Last evaluated 2026-04-15.

Conditions:
Inborn genetic diseases. Identifiers: MedGen C0950123, MeSH D030342.
CNGB1-related disorder. Also called: CNGB1-related condition.

Allele frequency attached by ClinVar (database versions not stated): ExAC 0.00012; gnomAD exomes 0.00014; gnomAD 0.00017; 1000 Genomes Project 0.00020; TOPMed 0.00024; ESP Exome Variant Server 0.00040; 1000 Genomes Project 30x 0.00047.
gnomAD v4.1: 75 of 1,614,170 alleles (0.0046%); highest among the groups gnomAD compares: East Asian, 0.056%; no homozygotes.

Submissions (5):

PreventionGenetics, part of Exact Sciences
Classification: Uncertain significance for CNGB1-related condition. Last evaluated: 2026-04-15. Review status: criteria provided, single submitter. Criteria: ACMG Guidelines, 2015. Collection method: clinical testing. Allele origin: germline.
Comment: The CNGB1 c.1478C>T variant is predicted to result in the amino acid substitution p.Pro493Leu. To our knowledge, this variant has not been reported in the literature. This variant is reported in 0.11% of alleles in individuals of East Asian descent in gnomAD, which may be too frequent to be a primary cause of disease. Although we suspect that this variant may be benign, at this time, the clinical significance of this variant is uncertain due to the absence of conclusive functional and genetic evidence.

Labcorp Genetics (formerly Invitae), Labcorp
Classification: Likely benign. Last evaluated: 2025-12-15. Review status: criteria provided, single submitter. Criteria: Invitae Variant Classification Sherloc (09022015). Collection method: clinical testing. Allele origin: germline.

Ambry Genetics
Classification: Uncertain significance for Inborn genetic diseases. Last evaluated: 2025-02-20. Review status: criteria provided, single submitter. Criteria: Ambry Variant Classification Scheme 2023. Collection method: clinical testing. Allele origin: germline.

Blueprint Genetics
Classification: Uncertain significance. Last evaluated: 2024-08-21. Review status: criteria provided, single submitter. Criteria: ACMG Guidelines, 2015. Collection method: clinical testing. Allele origin: germline.

Eurofins Ntd Llc (ga)
Classification: Uncertain significance. Last evaluated: 2016-10-31. Review status: criteria provided, single submitter. Criteria: EGL Classification Definitions 2015. Collection method: clinical testing. Allele origin: germline. Observed: 1 variant allele, 1 heterozygote.